The following is an entry in ClinVar:

NM_000215.4(JAK3):c.1673T>C (p.Met558Thr)

Gene: JAK3 (Janus kinase 3; minus strand). Cytogenetic location: 19p13.11.
Variant type: single nucleotide variant.
Coding change: c.1673T>C on transcript NM_000215.4 (MANE Select); coding-DNA position 1673, T replaced by C.
Protein change: p.Met558Thr; replaces methionine 558 with threonine.
Molecular consequence: missense variant.
Genome position (GRCh38, 1-based): chr19:17,837,960, A>G on the plus strand (T>C on the coding strand, the complement: JAK3 is on the minus strand). VCF-style: chr19-17837960-A-G. GRCh37 (hg19) VCF-style: chr19-17948769-A-G.
Other names: short protein forms M558T.
Identifiers: ClinVar variation 1369531 (VCV001369531.3), dbSNP rs777252992, ClinGen allele CA9301819.

ClinVar aggregate classification (germline): Uncertain significance (1 of 4 stars; one submission).

Conditions:
T-B+ severe combined immunodeficiency due to JAK3 deficiency. Also called: SCID, autosomal recessive, T-negative/B-positive type; SCID, T CELL-NEGATIVE, B CELL-POSITIVE, NK CELL-NEGATIVE. Identifiers: Orphanet 35078, MedGen C1833275, MONDO:0010938, OMIM 600802.

Allele frequency attached by ClinVar (database versions not stated): gnomAD exomes below 0.00001 and 0.00001; ExAC 0.00002; gnomAD 0.00006; TOPMed 0.00006.
gnomAD v4.1: 13 of 1,613,882 alleles (0.00081%); highest among the groups gnomAD compares: African/African-American, 0.017%; no homozygotes.

Submission:

Labcorp Genetics (formerly Invitae), Labcorp
Classification: Uncertain significance for T-B+ severe combined immunodeficiency due to JAK3 deficiency. Last evaluated: 2022-07-12. Review status: criteria provided, single submitter. Criteria: Invitae Variant Classification Sherloc (09022015). Collection method: clinical testing. Allele origin: germline.
Comment: This sequence change replaces methionine, which is neutral and non-polar, with threonine, which is neutral and polar, at codon 558 of the JAK3 protein (p.Met558Thr). This variant is present in population databases (rs777252992, gnomAD 0.03%). This variant has not been reported in the literature in individuals affected with JAK3-related conditions. ClinVar contains an entry for this variant (Variation ID: 1369531). Algorithms developed to predict the effect of missense changes on protein structure and function (SIFT, PolyPhen-2, Align-GVGD) all suggest that this variant is likely to be disruptive. In summary, the available evidence is currently insufficient to determine the role of this variant in disease. Therefore, it has been classified as a Variant of Uncertain Significance.